The following is an entry in ClinVar:

NM_001001957.2(OR2W3):c.493C>T (p.Arg165Cys)

Gene: OR2W3 (olfactory receptor family 2 subfamily W member 3; plus strand). Cytogenetic location: 1q44.
Variant type: single nucleotide variant.
Coding change: c.493C>T on transcript NM_001001957.2 (MANE Select); coding-DNA position 493, C replaced by T.
Protein change: p.Arg165Cys; replaces arginine 165 with cysteine.
Molecular consequence: missense variant.
Genome position (GRCh38, 1-based): chr1:247,896,079, C>T. VCF-style: chr1-247896079-C-T. GRCh37 (hg19) VCF-style: chr1-248059381-C-T.
Other names: short protein forms R165C.
Identifiers: ClinVar variation 3712669 (VCV003712669.3).

ClinVar aggregate classification (germline): Uncertain significance. Review status: criteria provided, multiple submitters, no conflicts (2 of 4 stars). 2 submissions from 2 submitters: Uncertain significance (2). Last evaluated 2025-10-05.

gnomAD v4.1: 32 of 1,614,058 alleles (0.002%); highest among the groups gnomAD compares: South Asian, 0.026%; no homozygotes.

Submissions (2):

Labcorp Genetics (formerly Invitae), Labcorp
Classification: Uncertain significance. Last evaluated: 2025-10-05. Review status: criteria provided, single submitter. Criteria: Invitae Variant Classification Sherloc (09022015). Collection method: clinical testing. Allele origin: germline.
Comment: This sequence change replaces arginine, which is basic and polar, with cysteine, which is neutral and slightly polar, at codon 165 of the OR2W3 protein (p.Arg165Cys). This variant is present in population databases (rs759398397, gnomAD 0.04%). This variant has not been reported in the literature in individuals affected with OR2W3-related conditions. ClinVar contains an entry for this variant (Variation ID: 3712669). An algorithm developed to predict the effect of missense changes on protein structure and function outputs the following: PolyPhen-2: "Benign". The cysteine amino acid residue is found in multiple mammalian species, which suggests that this missense change does not adversely affect protein function. In summary, the available evidence is currently insufficient to determine the role of this variant in disease. Therefore, it has been classified as a Variant of Uncertain Significance.

Ambry Genetics
Classification: Uncertain significance. Last evaluated: 2025-08-09. Review status: criteria provided, single submitter. Criteria: Ambry Variant Classification Scheme 2023. Collection method: clinical testing. Allele origin: germline.